The following is an entry in ClinVar:

NM_005120.3(MED12):c.4047+223A>G

Gene: MED12 (mediator complex subunit 12; plus strand). Cytogenetic location: Xq13.1.
Variant type: single nucleotide variant.
Coding change: c.4047+223A>G on transcript NM_005120.3 (MANE Select); 223 bases into the intron after coding-DNA position 4047, A replaced by G.
Molecular consequence: intron variant.
Genome position (GRCh38, 1-based): chrX:71,130,437, A>G. VCF-style: chrX-71130437-A-G. GRCh37 (hg19) VCF-style: chrX-70350287-A-G.
Identifiers: ClinVar variation 678583 (VCV000678583.1), dbSNP rs73539609, ClinGen allele CA330980939.

ClinVar aggregate classification (germline): Benign (1 of 4 stars; one submission).

Allele frequency attached by ClinVar (database versions not stated): gnomAD 0.04396 and 0.04554; TOPMed 0.05080; 1000 Genomes Project 0.05828; 1000 Genomes Project 30x 0.06181.
gnomAD v4.1: 4,901 of 112,531 alleles (4.4%); highest among the groups gnomAD compares: African/African-American, 14%; 239 homozygotes.

Submission:

GeneDx
Classification: Benign. Last evaluated: 2018-06-19. Review status: criteria provided, single submitter. Criteria: GeneDx Variant Classification (06012015). Collection method: clinical testing. Allele origin: germline. Affected: yes.
Comment: This variant is considered likely benign or benign based on one or more of the following criteria: it is a conservative change, it occurs at a poorly conserved position in the protein, it is predicted to be benign by multiple in silico algorithms, and/or has population frequency not consistent with disease.